The following is an entry in ClinVar:

NM_005732.4(RAD50):c.971A>G (p.Asp324Gly)

Gene: RAD50 (RAD50 double strand break repair protein; plus strand). Cytogenetic location: 5q31.1.
Variant type: single nucleotide variant.
Coding change: c.971A>G on transcript NM_005732.4 (MANE Select); coding-DNA position 971, A replaced by G.
Protein change: p.Asp324Gly; replaces aspartic acid 324 with glycine.
Molecular consequence: missense variant.
Genome position (GRCh38, 1-based): chr5:132,588,009, A>G. VCF-style: chr5-132588009-A-G. GRCh37 (hg19) VCF-style: chr5-131923701-A-G.
Other names: short protein forms D324G.
Identifiers: ClinVar variation 4745156 (VCV004745156.1).

ClinVar aggregate classification (germline): Uncertain significance (1 of 4 stars; one submission).

Conditions:
Hereditary cancer-predisposing syndrome. Also called: Hereditary neoplastic syndrome; Tumor predisposition; Neoplastic Syndromes, Hereditary; Hereditary Cancer Syndrome. Identifiers: Orphanet 140162, MedGen C0027672, MeSH D009386, MONDO:0015356.

Submission:

Labcorp Genetics (formerly Invitae), Labcorp
Classification: Uncertain significance for Hereditary cancer-predisposing syndrome. Last evaluated: 2025-03-25. Review status: criteria provided, single submitter. Criteria: Invitae Variant Classification Sherloc (09022015). Collection method: clinical testing. Allele origin: germline.
Comment: This sequence change replaces aspartic acid, which is acidic and polar, with glycine, which is neutral and non-polar, at codon 324 of the RAD50 protein (p.Asp324Gly). This variant is not present in population databases (gnomAD no frequency). This variant has not been reported in the literature in individuals affected with RAD50-related conditions. Invitae Evidence Modeling of protein sequence and biophysical properties (such as structural, functional, and spatial information, amino acid conservation, physicochemical variation, residue mobility, and thermodynamic stability) indicates that this missense variant is not expected to disrupt RAD50 protein function with a negative predictive value of 80%. In summary, the available evidence is currently insufficient to determine the role of this variant in disease. Therefore, it has been classified as a Variant of Uncertain Significance.